The following is an entry in ClinVar:

ClinVar aggregate classification (germline): Conflicting classifications of pathogenicity. Review status: criteria provided, conflicting classifications (1 of 4 stars). 3 submissions from 3 submitters: Uncertain significance (1); Likely benign (1). 1 of the submissions does not count toward it. Last evaluated 2025-10-26.

Conditions:
CREBBP-related disorder. Also called: CREBBP-related disorders; CREBBP-related condition.
Rubinstein-Taybi syndrome (RSTS). Identifiers: Orphanet 783, MedGen C0035934, MONDO:0019188.

Allele frequency attached by ClinVar (database versions not stated): ExAC 0.00002; gnomAD 0.00003; 1000 Genomes Project 30x 0.00016.

Submissions (3):

Labcorp Genetics (formerly Invitae), Labcorp
Classification: Likely benign for Rubinstein-Taybi syndrome. Last evaluated: 2025-10-26. Review status: criteria provided, single submitter. Criteria: Invitae Variant Classification Sherloc (09022015). Collection method: clinical testing. Allele origin: germline.

Eurofins Ntd Llc (ga)
Classification: Uncertain significance. Last evaluated: 2018-02-06. Review status: criteria provided, single submitter. Criteria: EGL Classification Definitions 2015. Collection method: clinical testing. Allele origin: germline. Observed: 1 variant allele, 1 heterozygote.

PreventionGenetics, part of Exact Sciences
Classification: Likely benign for CREBBP-related condition. Last evaluated: 2021-10-18. Review status: no assertion criteria provided. Collection method: clinical testing. Allele origin: germline. Not counted in ClinVar's aggregate classification.
Comment: This variant is classified as likely benign based on ACMG/AMP sequence variant interpretation guidelines (Richards et al. 2015 PMID: 25741868, with internal and published modifications).

NM_004380.3(CREBBP):c.6006G>T (p.Val2002=)

Gene: CREBBP (CREB binding lysine acetyltransferase; minus strand). Cytogenetic location: 16p13.3.
Variant type: single nucleotide variant.
Coding change: c.6006G>T on transcript NM_004380.3 (MANE Select); coding-DNA position 6006, G replaced by T.
Protein change: p.Val2002=; no amino-acid change (valine 2002 retained).
Molecular consequence: synonymous variant.
Genome position (GRCh38, 1-based): chr16:3,729,041, C>A on the plus strand (G>T on the coding strand, the complement: CREBBP is on the minus strand). VCF-style: chr16-3729041-C-A. GRCh37 (hg19) VCF-style: chr16-3779042-C-A.
Other names: c.6006G>T (NM_004380.2); c.5892G>T, p.Val1964= (NM_001079846.1).
Identifiers: ClinVar variation 595866 (VCV000595866.10), dbSNP rs768100377, ClinGen allele CA7869200.